The following is an entry in ClinVar:

NM_024649.5(BBS1):c.896A>C (p.His299Pro)

Genes: BBS1 (Bardet-Biedl syndrome 1; plus strand), ZDHHC24 (zDHHC palmitoyltransferase 24; minus strand). Cytogenetic location: 11q13.2.
Variant type: single nucleotide variant.
Coding change: c.896A>C on transcript NM_024649.5 (MANE Select); coding-DNA position 896, A replaced by C.
Protein change: p.His299Pro; replaces histidine 299 with proline.
Molecular consequence: missense variant. On other transcripts: intron variant (1).
Genome position (GRCh38, 1-based): chr11:66,523,521, A>C. VCF-style: chr11-66523521-A-C. GRCh37 (hg19) VCF-style: chr11-66290992-A-C.
Other names: c.*22-2055T>G (NM_001348571.2); short protein forms H299P.
Identifiers: ClinVar variation 3345109 (VCV003345109.1).

ClinVar aggregate classification (germline): Uncertain significance (0 of 4 stars; one submission).

Conditions:
BBS1-related disorder. Also called: BBS1-related condition.

Submission:

PreventionGenetics, part of Exact Sciences
Classification: Uncertain significance for BBS1-related condition. Last evaluated: 2024-08-23. Review status: no assertion criteria provided. Collection method: clinical testing. Allele origin: germline.
Comment: The BBS1 c.896A>C variant is predicted to result in the amino acid substitution p.His299Pro. To our knowledge, this variant has not been reported in the literature or in a large population database, indicating this variant is rare. At this time, the clinical significance of this variant is uncertain due to the absence of conclusive functional and genetic evidence.